The following is an entry in ClinVar:

ClinVar aggregate classification (germline): Uncertain significance (1 of 4 stars; one submission).

Submission:

Labcorp Genetics (formerly Invitae), Labcorp
Classification: Uncertain significance. Last evaluated: 2022-10-21. Review status: criteria provided, single submitter. Criteria: Invitae Variant Classification Sherloc (09022015). Collection method: clinical testing. Allele origin: germline.
Comment: In summary, the available evidence is currently insufficient to determine the role of this variant in disease. Therefore, it has been classified as a Variant of Uncertain Significance. Advanced modeling of protein sequence and biophysical properties (such as structural, functional, and spatial information, amino acid conservation, physicochemical variation, residue mobility, and thermodynamic stability) performed at Invitae indicates that this missense variant is expected to disrupt KCNQ5 protein function. This variant has not been reported in the literature in individuals affected with KCNQ5-related conditions. This variant is not present in population databases (gnomAD no frequency). This sequence change replaces serine, which is neutral and polar, with leucine, which is neutral and non-polar, at codon 257 of the KCNQ5 protein (p.Ser257Leu).

NM_019842.4(KCNQ5):c.770C>T (p.Ser257Leu)

Gene: KCNQ5 (potassium voltage-gated channel subfamily Q member 5; plus strand). Cytogenetic location: 6q13.
Variant type: single nucleotide variant.
Coding change: c.770C>T on transcript NM_019842.4 (MANE Select); coding-DNA position 770, C replaced by T.
Protein change: p.Ser257Leu; replaces serine 257 with leucine.
Molecular consequence: missense variant.
Genome position (GRCh38, 1-based): chr6:73,077,475, C>T. VCF-style: chr6-73077475-C-T. GRCh37 (hg19) VCF-style: chr6-73787198-C-T.
Other names: c.770C>T, p.Ser257Leu (NM_001160130.2, NM_001160132.2, NM_001160133.2 and 1 more transcripts); short protein forms S257L.
Identifiers: ClinVar variation 1721995 (VCV001721995.5), dbSNP rs2533591841, ClinGen allele CA364826425.